The following is an entry in ClinVar:

ClinVar aggregate classification (germline): Uncertain significance. Review status: criteria provided, multiple submitters, no conflicts (2 of 4 stars). 4 submissions from 4 submitters: Uncertain significance (4). Last evaluated 2025-07-31.

Conditions:
Colorectal cancer, susceptibility to, 1. Also called: COLORECTAL ADENOMA AND CANCER, SUSCEPTIBILITY TO; COLORECTAL CANCER, SUSCEPTIBILITY TO, ON CHROMOSOME 9. Identifiers: MedGen C1837315, MONDO:0012132, OMIM 608812.

Allele frequency attached by ClinVar (database versions not stated): gnomAD below 0.00001 and 0.00001.
gnomAD v4.1: 30 of 1,613,876 alleles (0.0019%); highest among the groups gnomAD compares: South Asian, 0.029%; no homozygotes.

Submissions (5):

Quest Diagnostics Nichols Institute San Juan Capistrano
Classification: Uncertain significance. Last evaluated: 2025-07-31. Review status: criteria provided, single submitter. Criteria: Quest Diagnostics criteria. Collection method: clinical testing. Allele origin: unknown.
Comment: The GALNT12 c.461G>A (p.Arg154Gln) variant has not been reported in individuals with GALNT12-related conditions in the published literature. The frequency of this variant in the general population (Genome Aggregation Database) is higher than would generally be expected for pathogenic variants in this gene. Analysis of this variant using bioinformatics tools for the prediction of the effect of amino acid changes on protein structure and function yielded conflicting predictions that this variant is deleterious or benign. Additional analysis using software algorithms for the prediction of the effect of nucleotide changes on GALNT12 mRNA splicing yielded predictions that this variant may result in the gain of a cryptic splice site without affecting the natural splice sites. Based on the available information, we are unable to determine the clinical significance of this variant.

Ambry Genetics
Classification: Uncertain significance. Last evaluated: 2025-02-26. Review status: criteria provided, single submitter. Criteria: Ambry Variant Classification Scheme 2023. Collection method: clinical testing. Allele origin: germline.
Comment: The p.R154Q variant (also known as c.461G>A), located in coding exon 2 of the GALNT12 gene, results from a G to A substitution at nucleotide position 461. The arginine at codon 154 is replaced by glutamine, an amino acid with highly similar properties. This amino acid position is highly conserved in available vertebrate species. In addition, this alteration is predicted to be deleterious by in silico analysis. Since supporting evidence is limited at this time, the clinical significance of this alteration remains unclear.

Labcorp Genetics (formerly Invitae), Labcorp
Classification: Uncertain significance. Last evaluated: 2024-09-02. Review status: criteria provided, single submitter. Criteria: Invitae Variant Classification Sherloc (09022015). Collection method: clinical testing. Allele origin: germline.
Comment: This sequence change replaces arginine, which is basic and polar, with glutamine, which is neutral and polar, at codon 154 of the GALNT12 protein (p.Arg154Gln). This variant is present in population databases (rs756339026, gnomAD 0.02%). This variant has not been reported in the literature in individuals affected with GALNT12-related conditions. ClinVar contains an entry for this variant (Variation ID: 958950). Invitae Evidence Modeling of protein sequence and biophysical properties (such as structural, functional, and spatial information, amino acid conservation, physicochemical variation, residue mobility, and thermodynamic stability) indicates that this missense variant is expected to disrupt GALNT12 protein function with a positive predictive value of 80%. Algorithms developed to predict the effect of sequence changes on RNA splicing suggest that this variant may create or strengthen a splice site. In summary, the available evidence is currently insufficient to determine the role of this variant in disease. Therefore, it has been classified as a Variant of Uncertain Significance.

Baylor Genetics
Classification: Uncertain significance for Colorectal cancer, susceptibility to, 1. Last evaluated: 2023-10-04. Review status: criteria provided, single submitter. Criteria: ACMG Guidelines, 2015. Collection method: clinical testing. Allele origin: unknown.

Dr. Peter K. Rogan Lab, Western University
No classification provided (evidence only). Condition: Gastric cancer. Review status: no classification provided. Collection method: in vitro. Allele origin: not applicable. Functional consequence: retained intron. Not counted in ClinVar's aggregate classification.

NM_024642.5(GALNT12):c.461G>A (p.Arg154Gln)

Gene: GALNT12 (polypeptide N-acetylgalactosaminyltransferase 12; plus strand). Cytogenetic location: 9q22.33.
Variant type: single nucleotide variant.
Coding change: c.461G>A on transcript NM_024642.5 (MANE Select); coding-DNA position 461, G replaced by A.
Protein change: p.Arg154Gln; replaces arginine 154 with glutamine.
Molecular consequence: missense variant.
Genome position (GRCh38, 1-based): chr9:98,823,345, G>A. VCF-style: chr9-98823345-G-A. GRCh37 (hg19) VCF-style: chr9-101585627-G-A.
Other names: short protein forms R154Q.
Identifiers: ClinVar variation 958950 (VCV000958950.16), dbSNP rs756339026, ClinGen allele CA5153946.